The following is an entry in ClinVar:

NM_003265.3(TLR3):c.1251T>A (p.Asn417Lys)

Gene: TLR3 (toll like receptor 3; plus strand). Cytogenetic location: 4q35.1.
Variant type: single nucleotide variant.
Coding change: c.1251T>A on transcript NM_003265.3 (MANE Select); coding-DNA position 1251, T replaced by A.
Protein change: p.Asn417Lys; replaces asparagine 417 with lysine.
Molecular consequence: missense variant.
Genome position (GRCh38, 1-based): chr4:186,082,937, T>A. VCF-style: chr4-186082937-T-A. GRCh37 (hg19) VCF-style: chr4-187004091-T-A.
Other names: short protein forms N417K.
Identifiers: ClinVar variation 1464750 (VCV001464750.8), dbSNP rs776866759, ClinGen allele CA3161382.

ClinVar aggregate classification (germline): Uncertain significance (1 of 4 stars; one submission).

Conditions:
Encephalopathy, acute, infection-induced (herpes-specific), susceptibility to, 1. Also called: Herpes simplex encephalitis, susceptibility to, 1. Identifiers: Orphanet 1930, MedGen C2750180, MONDO:0024563, OMIM 610551.

Allele frequency attached by ClinVar (database versions not stated): TOPMed below 0.00001.
gnomAD v4.1: 13 of 1,614,128 alleles (0.00081%); highest among the groups gnomAD compares: Non-Finnish European, 0.00051%; no homozygotes.

Submission:

Labcorp Genetics (formerly Invitae), Labcorp
Classification: Uncertain significance for Encephalopathy, acute, infection-induced (herpes-specific), susceptibility to, 1. Last evaluated: 2025-03-31. Review status: criteria provided, single submitter. Criteria: Invitae Variant Classification Sherloc (09022015). Collection method: clinical testing. Allele origin: germline.
Comment: This sequence change replaces asparagine, which is neutral and polar, with lysine, which is basic and polar, at codon 417 of the TLR3 protein (p.Asn417Lys). This variant is present in population databases (rs776866759, gnomAD 0.004%). This variant has not been reported in the literature in individuals affected with TLR3-related conditions. ClinVar contains an entry for this variant (Variation ID: 1464750). An algorithm developed to predict the effect of missense changes on protein structure and function (PolyPhen-2) suggests that this variant is likely to be disruptive. In summary, the available evidence is currently insufficient to determine the role of this variant in disease. Therefore, it has been classified as a Variant of Uncertain Significance.